The following is an entry in ClinVar:

ClinVar aggregate classification (germline): Uncertain significance (1 of 4 stars; one submission).

gnomAD v4.1: 3 of 1,614,138 alleles (0.00019%); highest among the groups gnomAD compares: Non-Finnish European, 0.00017%; no homozygotes.

Submission:

GeneDx
Classification: Uncertain significance. Last evaluated: 2022-11-07. Review status: criteria provided, single submitter. Criteria: GeneDx Variant Classification Process June 2021. Collection method: clinical testing. Allele origin: germline.
Comment: In silico analysis supports that this missense variant has a deleterious effect on protein structure/function; Has not been previously published as pathogenic or benign to our knowledge; Variants in candidate genes are classified as variants of uncertain significance in accordance with ACMG guidelines (Richards et al., 2015)

NM_001377229.1(DISP1):c.2519T>C (p.Phe840Ser)

Gene: DISP1 (dispatched RND transporter family member 1; plus strand). Cytogenetic location: 1q41.
Variant type: single nucleotide variant.
Coding change: c.2519T>C on transcript NM_001377229.1 (MANE Select); coding-DNA position 2519, T replaced by C.
Protein change: p.Phe840Ser; replaces phenylalanine 840 with serine.
Molecular consequence: missense variant.
Genome position (GRCh38, 1-based): chr1:223,003,916, T>C. VCF-style: chr1-223003916-T-C. GRCh37 (hg19) VCF-style: chr1-223177258-T-C.
Other names: c.1790T>C, p.Phe597Ser (NM_001350630.2); c.2519T>C, p.Phe840Ser (NM_001369594.1, NM_001377228.1, NM_032890.5); short protein forms F597S, F840S.
Identifiers: ClinVar variation 4891522 (VCV004891522.1).